The following is an entry in ClinVar:

NM_000540.3(RYR1):c.4563_4574del (p.Ala1522_Leu1525del)

Gene: RYR1 (ryanodine receptor 1; plus strand). Cytogenetic location: 19q13.2.
Variant type: Deletion.
Coding change: c.4563_4574del on transcript NM_000540.3 (MANE Select); coding-DNA positions 4563 to 4574, 12 bases deleted (GGCCACTGGCTT).
Protein change: p.Ala1522_Leu1525del.
Molecular consequence: inframe deletion.
Genome position (GRCh38, 1-based): chr19:38,478,543-38,478,554, GGCCACTGGCTT deleted; deleting any 12 consecutive bases within chr19:38,478,540-38,478,554 gives the same sequence; the c. name uses the placement nearest the transcript's 3' end. VCF-style (leftmost placement, unchanged base first): chr19-38478539-ACTTGGCCACTGG-A. GRCh37 (hg19) VCF-style: chr19-38969179-ACTTGGCCACTGG-A.
Other names: c.4563_4574del, p.Ala1522_Leu1525del (NM_001042723.2).
Identifiers: ClinVar variation 2054480 (VCV002054480.4), dbSNP rs2514185190, ClinGen allele CA2580096939.

ClinVar aggregate classification (germline): Uncertain significance (1 of 4 stars; one submission).

Conditions:
RYR1-related disorder. Also called: RYR1-related condition; RYR1-related disorders. Identifiers: MedGen CN239331.

Submission:

Labcorp Genetics (formerly Invitae), Labcorp
Classification: Uncertain significance for RYR1-related disorder. Last evaluated: 2021-12-23. Review status: criteria provided, single submitter. Criteria: Invitae Variant Classification Sherloc (09022015). Collection method: clinical testing. Allele origin: germline.
Comment: In summary, the available evidence is currently insufficient to determine the role of this variant in disease. Therefore, it has been classified as a Variant of Uncertain Significance. This variant disrupts a region of the RYR1 protein in which other variant(s) (p.Thr1523Pro) have been observed in individuals with RYR1-related conditions (PMID: 26932181). This suggests that this is a clinically significant region of the protein, and that variants that disrupt it are likely to be disease-causing. Experimental studies and prediction algorithms are not available or were not evaluated, and the functional significance of this variant is currently unknown. This variant has not been reported in the literature in individuals affected with RYR1-related conditions. This variant is not present in population databases (gnomAD no frequency). This variant, c.4563_4574del, results in the deletion of 4 amino acid(s) of the RYR1 protein (p.Ala1522_Leu1525del), but otherwise preserves the integrity of the reading frame.

Literature cited by the submitters: PubMed 26932181.